The following is an entry in ClinVar:

ClinVar aggregate classification (germline): Uncertain significance (1 of 4 stars; one submission).

Conditions:
Primary ciliary dyskinesia. Also called: Ciliary dyskinesia. Identifiers: Orphanet 244, MedGen C0008780, MONDO:0016575, HP:0012265.

Submission:

Labcorp Genetics (formerly Invitae), Labcorp
Classification: Uncertain significance for Primary ciliary dyskinesia. Last evaluated: 2025-09-10. Review status: criteria provided, single submitter. Criteria: Invitae Variant Classification Sherloc (09022015). Collection method: clinical testing. Allele origin: germline.
Comment: This sequence change replaces glutamine, which is neutral and polar, with histidine, which is basic and polar, at codon 90 of the DNAAF3 protein (p.Gln90His). This variant is not present in population databases (gnomAD no frequency). This variant has not been reported in the literature in individuals affected with DNAAF3-related conditions. An algorithm developed to predict the effect of missense changes on protein structure and function (PolyPhen-2) suggests that this variant is likely to be disruptive. In summary, the available evidence is currently insufficient to determine the role of this variant in disease. Therefore, it has been classified as a Variant of Uncertain Significance.

NM_001256715.2(DNAAF3):c.86-20G>T

Genes: DNAAF3 (dynein axonemal assembly factor 3; minus strand), DNAAF3-AS1 (DNAAF3 antisense RNA 1; plus strand). Cytogenetic location: 19q13.42.
Variant type: single nucleotide variant.
Coding change: c.86-20G>T on transcript NM_001256715.2 (MANE Select); 20 bases into the intron before coding-DNA position 86, G replaced by T.
Molecular consequence: intron variant. On other transcripts: missense variant (1).
Genome position (GRCh38, 1-based): chr19:55,166,020, C>A on the plus strand (G>T on the coding strand, the complement: DNAAF3 is on the minus strand). VCF-style: chr19-55166020-C-A. GRCh37 (hg19) VCF-style: chr19-55677388-C-A.
Other names: c.270G>T, p.Gln90His (NM_001256714.1); c.227-20G>T (NM_178837.4); c.-153-20G>T (NM_001256716.2); short protein forms Q90H.
Identifiers: ClinVar variation 4748539 (VCV004748539.1).
Genomic context (GRCh38, chr19:55,166,020, plus strand): 5'-GTGCACTGTATCGGCCTGGGAGTCTGGGTCCACAGGAGGACCTGGCAAGATGACAGCTGG[C>A]TGGGGCACCATGGTGGTTGGCAGAGCGTCCACCGTAGCATCCCCTATAAAAAATGGACTA-3'